The following is an entry in ClinVar:

ClinVar aggregate classification (germline): Likely benign (1 of 4 stars; one submission).

Submission:

GeneDx
Classification: Likely benign. Last evaluated: 2017-03-21. Review status: criteria provided, single submitter. Criteria: GeneDx Variant Classification (06012015). Collection method: clinical testing. Allele origin: germline. Affected: yes.
Comment: This variant is considered likely benign or benign based on one or more of the following criteria: it is a conservative change, it occurs at a poorly conserved position in the protein, it is predicted to be benign by multiple in silico algorithms, and/or has population frequency not consistent with disease.

NM_015443.4(KANSL1):c.-70G>T

Gene: KANSL1 (KAT8 regulatory NSL complex subunit 1). Cytogenetic location: 17q21.31.
Variant type: single nucleotide variant.
Coding change: c.-70G>T on transcript NM_015443.4 (MANE Select); 70 bases upstream of the start codon, G replaced by T.
Molecular consequence: 5 prime UTR variant.
Genome position (GRCh38, 1-based): chr17:46,172,213, C>A on the plus strand (G>T on the coding strand, the complement: KANSL1 is on the minus strand). VCF-style: chr17-46172213-C-A. GRCh37 (hg19) VCF-style: chr17-44249579-C-A.
Other names: c.-70G>T (NM_001193465.2, NM_001193466.2, NM_001379198.1).
Identifiers: ClinVar variation 508321 (VCV000508321.1), dbSNP rs1203577051, ClinGen allele CA658798878.
Genomic context (GRCh38, chr17:46,172,213, plus strand): 5'-AGAGACAGGAAGTCCAGCCTCTCCCGATGCCGAGGCCGAGGCCAGCTCCACGGCCCCTTA[C>A]TGCCTCCCCAGAGAACAGACTAGAAGAGAAAGGAGAAAAGAATATTAGAAATACAAGCAC-3'